The following is an entry in ClinVar:

ClinVar aggregate classification (germline): Uncertain significance (1 of 4 stars; one submission).

Conditions:
Cardiovascular phenotype. Identifiers: MedGen CN230736.

Submission:

Ambry Genetics
Classification: Uncertain significance for Cardiovascular phenotype. Last evaluated: 2024-04-05. Review status: criteria provided, single submitter. Criteria: Ambry Variant Classification Scheme 2023. Collection method: clinical testing. Allele origin: germline.
Comment: The p.T2887I variant (also known as c.8660C>T), located in coding exon 26 of the APOB gene, results from a C to T substitution at nucleotide position 8660. The threonine at codon 2887 is replaced by isoleucine, an amino acid with similar properties. This amino acid position is conserved. In addition, this alteration is predicted to be tolerated by in silico analysis. Based on the available evidence, the clinical significance of this variant remains unclear.

NM_000384.3(APOB):c.8660C>T (p.Thr2887Ile)

Gene: APOB (apolipoprotein B; minus strand). Cytogenetic location: 2p24.1.
Variant type: single nucleotide variant.
Coding change: c.8660C>T on transcript NM_000384.3 (MANE Select); coding-DNA position 8660, C replaced by T.
Protein change: p.Thr2887Ile; replaces threonine 2887 with isoleucine.
Molecular consequence: missense variant.
Genome position (GRCh38, 1-based): chr2:21,008,208, G>A on the plus strand (C>T on the coding strand, the complement: APOB is on the minus strand). VCF-style: chr2-21008208-G-A. GRCh37 (hg19) VCF-style: chr2-21231080-G-A.
Other names: short protein forms T2887I.
Identifiers: ClinVar variation 3307567 (VCV003307567.1).